The following is an entry in ClinVar:

ClinVar aggregate classification (germline): Likely benign (1 of 4 stars; one submission).

Allele frequency attached by ClinVar (database versions not stated): 1000 Genomes Project 30x 0.00609; 1000 Genomes Project 0.00619; TOPMed 0.01191; gnomAD 0.01276.

Submission:

GeneDx
Classification: Likely benign. Last evaluated: 2019-02-28. Review status: criteria provided, single submitter. Criteria: GeneDx Variant Classification Process June 2021. Collection method: clinical testing. Allele origin: germline. Affected: yes.
Comment: See Variant Classification Assertion Criteria.

NM_001261826.3(AP3D1):c.592+85G>T

Gene: AP3D1 (adaptor related protein complex 3 subunit delta 1; minus strand). Cytogenetic location: 19p13.3.
Variant type: single nucleotide variant.
Coding change: c.592+85G>T on transcript NM_001261826.3 (MANE Select); 85 bases into the intron after coding-DNA position 592, G replaced by T.
Molecular consequence: intron variant.
Genome position (GRCh38, 1-based): chr19:2,130,323, C>A on the plus strand (G>T on the coding strand, the complement: AP3D1 is on the minus strand). VCF-style: chr19-2130323-C-A. GRCh37 (hg19) VCF-style: chr19-2130322-C-A.
Other names: c.592+85G>T (NM_003938.8, NM_001374799.1).
Identifiers: ClinVar variation 1707177 (VCV001707177.2), dbSNP rs72983450, ClinGen allele CA14742312.